The following is an entry in ClinVar:

NM_000245.4(MET):c.2311A>G (p.Ser771Gly)

Gene: MET (MET proto-oncogene, receptor tyrosine kinase; plus strand). Cytogenetic location: 7q31.2.
Variant type: single nucleotide variant.
Coding change: c.2311A>G on transcript NM_000245.4 (MANE Select); coding-DNA position 2311, A replaced by G.
Protein change: p.Ser771Gly; replaces serine 771 with glycine.
Molecular consequence: missense variant.
Genome position (GRCh38, 1-based): chr7:116,759,437, A>G. VCF-style: chr7-116759437-A-G. GRCh37 (hg19) VCF-style: chr7-116399491-A-G.
Other names: c.2365A>G, p.Ser789Gly (NM_001127500.3); c.2311A>G, p.Ser771Gly (NM_001324401.3); c.1021A>G, p.Ser341Gly (NM_001324402.2); short protein forms S341G, S771G, S789G.
Identifiers: ClinVar variation 1720256 (VCV001720256.5), dbSNP rs2116938257, ClinGen allele CA368982275.

ClinVar aggregate classification (germline): Uncertain significance (1 of 4 stars; one submission).

Conditions:
Renal cell carcinoma. Identifiers: Orphanet 217071, MedGen C0007134, MeSH D002292, MONDO:0005086, HP:0005584.

Submission:

Labcorp Genetics (formerly Invitae), Labcorp
Classification: Uncertain significance for Renal cell carcinoma. Last evaluated: 2022-09-24. Review status: criteria provided, single submitter. Criteria: Invitae Variant Classification Sherloc (09022015). Collection method: clinical testing. Allele origin: germline.
Comment: This sequence change replaces serine, which is neutral and polar, with glycine, which is neutral and non-polar, at codon 789 of the MET protein (p.Ser789Gly). This variant is not present in population databases (gnomAD no frequency). This variant has not been reported in the literature in individuals affected with MET-related conditions. Algorithms developed to predict the effect of missense changes on protein structure and function are either unavailable or do not agree on the potential impact of this missense change (SIFT: "Tolerated"; PolyPhen-2: "Probably Damaging"; Align-GVGD: "Class C0"). Algorithms developed to predict the effect of sequence changes on RNA splicing suggest that this variant may create or strengthen a splice site. In summary, the available evidence is currently insufficient to determine the role of this variant in disease. Therefore, it has been classified as a Variant of Uncertain Significance.